The following is an entry in ClinVar:

NM_001040108.2(MLH3):c.450C>G (p.Asn150Lys)

Gene: MLH3 (mutL homolog 3; minus strand). Cytogenetic location: 14q24.3.
Variant type: single nucleotide variant.
Coding change: c.450C>G on transcript NM_001040108.2 (MANE Select); coding-DNA position 450, C replaced by G.
Protein change: p.Asn150Lys; replaces asparagine 150 with lysine.
Molecular consequence: missense variant.
Genome position (GRCh38, 1-based): chr14:75,049,206, G>C on the plus strand (C>G on the coding strand, the complement: MLH3 is on the minus strand). VCF-style: chr14-75049206-G-C. GRCh37 (hg19) VCF-style: chr14-75515909-G-C.
Other names: c.450C>G, p.Asn150Lys (NM_014381.3); short protein forms N150K.
Identifiers: ClinVar variation 2623638 (VCV002623638.3), dbSNP rs372363739, ClinGen allele CA7276025.

ClinVar aggregate classification (germline): Uncertain significance (1 of 4 stars; one submission).

Allele frequency attached by ClinVar (database versions not stated): ESP Exome Variant Server 0.00015; gnomAD exomes below 0.00001; ExAC 0.00001; gnomAD 0.00002; TOPMed 0.00002.
gnomAD v4.1: 10 of 1,614,046 alleles (0.00062%); highest among the groups gnomAD compares: African/African-American, 0.011%; no homozygotes.

Submission:

Ambry Genetics
Classification: Uncertain significance. Last evaluated: 2025-08-23. Review status: criteria provided, single submitter. Criteria: Ambry Variant Classification Scheme 2023. Collection method: clinical testing. Allele origin: germline.
Comment: The p.N150K variant (also known as c.450C>G), located in coding exon 1 of the MLH3 gene, results from a C to G substitution at nucleotide position 450. The asparagine at codon 150 is replaced by lysine, an amino acid with similar properties. This amino acid position is highly conserved in available vertebrate species. In addition, the in silico prediction for this alteration is inconclusive. The evidence for this gene-disease relationship is limited; therefore, the clinical significance of this alteration is unclear.